The following is an entry in ClinVar:

NM_001433705.1(NLRP5):c.1437C>G (p.Arg479=)

Gene: NLRP5 (NLR family pyrin domain containing 5; plus strand). Cytogenetic location: 19q13.43.
Variant type: single nucleotide variant.
Coding change: c.1437C>G on transcript NM_001433705.1 (MANE Select); coding-DNA position 1437, C replaced by G.
Protein change: p.Arg479=; no amino-acid change (arginine 479 retained).
Molecular consequence: synonymous variant.
Genome position (GRCh38, 1-based): chr19:56,027,823, C>G. VCF-style: chr19-56027823-C-G. GRCh37 (hg19) VCF-style: chr19-56539189-C-G.
Other names: NM_153447.4:c.1590C>G.
Identifiers: ClinVar variation 781519 (VCV000781519.7), dbSNP rs10419583, ClinGen allele CA9685608.
Genomic context (GRCh38, chr19:56,027,823, plus strand): 5'-CACCCCTCGAGGCGTGGTCCGGCGCTGTCTCAATCTGGAGGAAAGAGTTGTCCTGAAGCG[C>G]TTCTGCCGTATGGCTGTGGAGGGAGTGTGGAATAGGAAGTCAGTGTTTGACGGTGACGAC-3'
Protein context (NP_001420634.1, residues 469-489): LNLEERVVLK[Arg479=]FCRMAVEGVW

ClinVar aggregate classification (germline): Benign. Review status: criteria provided, multiple submitters, no conflicts (2 of 4 stars). 3 submissions from 3 submitters: Benign (2). 1 of the submissions does not count toward it. Last evaluated 2019-12-31.

Conditions:
NLRP5-related disorder. Also called: NLRP5-related condition.

Allele frequency attached by ClinVar (database versions not stated): 1000 Genomes Project 0.00659; gnomAD 0.00577; ESP Exome Variant Server 0.00606; ExAC 0.00190; TOPMed 0.00667; 1000 Genomes Project 30x 0.00593.
gnomAD v4.1: 1,881 of 1,614,000 alleles (0.12%); highest among the groups gnomAD compares: African/African-American, 2.2%; 14 homozygotes.

Submissions (3):

Labcorp Genetics (formerly Invitae), Labcorp
Classification: Benign. Last evaluated: 2019-12-31. Review status: criteria provided, single submitter. Criteria: Invitae Variant Classification Sherloc (09022015). Collection method: clinical testing. Allele origin: germline.

Breakthrough Genomics
Classification: Benign. Review status: criteria provided, single submitter. Criteria: ACMG Guidelines, 2015. Collection method: not provided. Allele origin: germline. Inheritance: Unknown mechanism. Affected: yes.

PreventionGenetics, part of Exact Sciences
Classification: Benign for NLRP5-related condition. Last evaluated: 2019-04-25. Review status: no assertion criteria provided. Collection method: clinical testing. Allele origin: germline. Not counted in ClinVar's aggregate classification.
Comment: This variant is classified as benign based on ACMG/AMP sequence variant interpretation guidelines (Richards et al. 2015 PMID: 25741868, with internal and published modifications).